The following is an entry in ClinVar:

NM_001277115.2(DNAH11):c.3898C>T (p.Gln1300Ter)

Gene: DNAH11 (dynein axonemal heavy chain 11; plus strand). Cytogenetic location: 7p15.3.
Variant type: single nucleotide variant.
Coding change: c.3898C>T on transcript NM_001277115.2 (MANE Select); coding-DNA position 3898, C replaced by T.
Protein change: p.Gln1300Ter; replaces glutamine 1300 with a stop codon.
Molecular consequence: nonsense.
Genome position (GRCh38, 1-based): chr7:21,615,159, C>T. VCF-style: chr7-21615159-C-T. GRCh37 (hg19) VCF-style: chr7-21654777-C-T.
Other names: NM_001277115.2:c.3898C>T; short protein forms Q1300*.
Identifiers: ClinVar variation 3776917 (VCV003776917.1).

ClinVar aggregate classification (germline): Pathogenic (1 of 4 stars; one submission).

Conditions:
Primary ciliary dyskinesia 7. Also called: CILIARY DYSKINESIA, PRIMARY, 7, WITH OR WITHOUT SITUS INVERSUS. Identifiers: Orphanet 244, MedGen C2678473, MONDO:0012748, OMIM 611884.

gnomAD v4.1: 1 of 1,612,620 alleles (0.000062%); highest among the groups gnomAD compares: Admixed American, 0.0017%; no homozygotes.

Submission:

Broad Center for Mendelian Genomics, Broad Institute of MIT and Harvard
Classification: Pathogenic for Primary ciliary dyskinesia 7. Last evaluated: 2025-02-12. Review status: criteria provided, single submitter. Criteria: ACMG Guidelines, 2015. Collection method: curation. Allele origin: germline. Inheritance: Autosomal recessive inheritance.
Comment: The p.Gln1300Ter variant in DNAH11 has been reported, in the compound heterozygous state, in 1 individual with primary ciliary dyskinesia (PMID: 32253119), and has been identified in 0.002% (1/59794) of Admixed American chromosomes by the Genome Aggregation Database (gnomAD). Although this variant has been seen in the general population in a heterozygous state, its frequency is low enough to be consistent with a recessive carrier frequency. This nonsense variant leads to a premature termination codon at position 1300, which is predicted to lead to a truncated or absent protein. Loss of function of the DNAH11 gene is an established disease mechanism in autosomal recessive primary ciliary dyskinesia. In summary, this variant meets criteria to be classified as pathogenic for autosomal recessive primary ciliary dyskinesia. ACMG/AMP Criteria applied: PVS1, PM2_supporting, PM3_supporting (Richards 2015).